The following is an entry in ClinVar:

NM_000238.4(KCNH2):c.383A>C (p.Asn128Thr)

Gene: KCNH2 (potassium voltage-gated channel subfamily H member 2; minus strand). Cytogenetic location: 7q36.1.
Variant type: single nucleotide variant.
Coding change: c.383A>C on transcript NM_000238.4 (MANE Select); coding-DNA position 383, A replaced by C.
Protein change: p.Asn128Thr; replaces asparagine 128 with threonine.
Molecular consequence: missense variant.
Genome position (GRCh38, 1-based): chr7:150,959,661, T>G on the plus strand (A>C on the coding strand, the complement: KCNH2 is on the minus strand). VCF-style: chr7-150959661-T-G. GRCh37 (hg19) VCF-style: chr7-150656749-T-G.
Other names: c.95A>C, p.Asn32Thr (NM_001406753.1, NM_001406756.1); c.206A>C, p.Asn69Thr (NM_001406755.1); c.83A>C, p.Asn28Thr (NM_001406757.1); c.383A>C, p.Asn128Thr (NM_172056.3); short protein forms N128T, N69T, N28T, N32T.
Identifiers: ClinVar variation 1395363 (VCV001395363.9), dbSNP rs200343670, ClinGen allele CA369863773.

ClinVar aggregate classification (germline): Uncertain significance (1 of 4 stars; one submission).

Conditions:
Long QT syndrome (LQTS). Identifiers: MedGen C0023976, MeSH D008133, MONDO:0002442. Disease mechanism: loss of function. Inheritance: Various modes of inheritance.

Submission:

Labcorp Genetics (formerly Invitae), Labcorp
Classification: Uncertain significance for Long QT syndrome. Last evaluated: 2024-06-13. Review status: criteria provided, single submitter. Criteria: Invitae Variant Classification Sherloc (09022015). Collection method: clinical testing. Allele origin: germline.
Comment: This sequence change replaces asparagine, which is neutral and polar, with threonine, which is neutral and polar, at codon 128 of the KCNH2 protein (p.Asn128Thr). This variant is not present in population databases (gnomAD no frequency). This variant has not been reported in the literature in individuals affected with KCNH2-related conditions. ClinVar contains an entry for this variant (Variation ID: 1395363). An algorithm developed to predict the effect of missense changes on protein structure and function (PolyPhen-2) suggests that this variant is likely to be tolerated. In summary, the available evidence is currently insufficient to determine the role of this variant in disease. Therefore, it has been classified as a Variant of Uncertain Significance.